The following is an entry in ClinVar:

NM_004531.5(MOCS2):c.464T>C (p.Ile155Thr)

Gene: MOCS2 (molybdenum cofactor synthesis 2; minus strand). Cytogenetic location: 5q11.2.
Variant type: single nucleotide variant.
Coding change: c.464T>C on transcript NM_004531.5 (MANE Select); coding-DNA position 464, T replaced by C.
Protein change: p.Ile155Thr; replaces isoleucine 155 with threonine.
Molecular consequence: missense variant. On other transcripts: 3 prime UTR variant (1).
Genome position (GRCh38, 1-based): chr5:53,100,448, A>G on the plus strand (T>C on the coding strand, the complement: MOCS2 is on the minus strand). VCF-style: chr5-53100448-A-G. GRCh37 (hg19) VCF-style: chr5-52396278-A-G.
Other names: c.*384T>C (NM_176806.4); short protein forms I155T.
Identifiers: ClinVar variation 1004788 (VCV001004788.5), dbSNP rs143347340, ClinGen allele CA3263612.

ClinVar aggregate classification (germline): Uncertain significance. Review status: criteria provided, multiple submitters, no conflicts (2 of 4 stars). 2 submissions from 2 submitters: Uncertain significance (2). Last evaluated 2024-02-08.

Conditions:
Sulfite oxidase deficiency due to molybdenum cofactor deficiency type B1 (MOCODB1). Also called: Molybdenum cofactor deficiency B; Molybdenum cofactor deficiency, complementation group B; MOLYBDENUM COFACTOR DEFICIENCY, TYPE B1; Sulfite oxidase deficiency due to molybdenum cofactor deficiency type B. Identifiers: Orphanet 308393, Orphanet 833, MedGen C6065887, MONDO:0009644, OMIM 252160.

Allele frequency attached by ClinVar (database versions not stated): ExAC 0.00003; gnomAD exomes 0.00003; gnomAD 0.00005 and 0.00006; TOPMed 0.00006; ESP Exome Variant Server 0.00008.
gnomAD v4.1: 16 of 1,613,816 alleles (0.00099%); highest among the groups gnomAD compares: African/African-American, 0.012%; no homozygotes.

Submissions (2):

Fulgent Genetics
Classification: Uncertain significance for Sulfite oxidase deficiency due to molybdenum cofactor deficiency type B1. Last evaluated: 2024-02-08. Review status: criteria provided, single submitter. Criteria: ACMG Guidelines, 2015. Collection method: clinical testing. Allele origin: germline.

Labcorp Genetics (formerly Invitae), Labcorp
Classification: Uncertain significance. Last evaluated: 2022-02-08. Review status: criteria provided, single submitter. Criteria: Invitae Variant Classification Sherloc (09022015). Collection method: clinical testing. Allele origin: germline.
Comment: This sequence change replaces isoleucine, which is neutral and non-polar, with threonine, which is neutral and polar, at codon 155 of the MOCS2B protein (p.Ile155Thr). This variant is present in population databases (rs143347340, gnomAD 0.02%). This variant has not been reported in the literature in individuals affected with MOCS2B-related conditions. ClinVar contains an entry for this variant (Variation ID: 1004788). Algorithms developed to predict the effect of missense changes on protein structure and function (SIFT, PolyPhen-2, Align-GVGD) all suggest that this variant is likely to be disruptive. In summary, the available evidence is currently insufficient to determine the role of this variant in disease. Therefore, it has been classified as a Variant of Uncertain Significance.